The following is an entry in ClinVar:

NM_000135.4(FANCA):c.212A>G (p.Lys71Arg)

Gene: FANCA (FA complementation group A; minus strand). Cytogenetic location: 16q24.3.
Variant type: single nucleotide variant.
Coding change: c.212A>G on transcript NM_000135.4 (MANE Select); coding-DNA position 212, A replaced by G.
Protein change: p.Lys71Arg; replaces lysine 71 with arginine.
Molecular consequence: missense variant.
Genome position (GRCh38, 1-based): chr16:89,814,591, T>C on the plus strand (A>G on the coding strand, the complement: FANCA is on the minus strand). VCF-style: chr16-89814591-T-C. GRCh37 (hg19) VCF-style: chr16-89880999-T-C.
Other names: c.212A>G, p.Lys71Arg (NM_001018112.3, NM_001286167.3, NM_001351830.2); short protein forms K71R.
Identifiers: ClinVar variation 4870925 (VCV004870925.1).

ClinVar aggregate classification (germline): Uncertain significance (1 of 4 stars; one submission).

Conditions:
Inborn genetic diseases. Identifiers: MedGen C0950123, MeSH D030342.

gnomAD v4.1: 3 of 1,613,666 alleles (0.00019%); highest among the groups gnomAD compares: Non-Finnish European, 0.00025%; no homozygotes.

Submission:

Ambry Genetics
Classification: Uncertain significance for Inborn genetic diseases. Last evaluated: 2026-06-13. Review status: criteria provided, single submitter. Criteria: Ambry Variant Classification Scheme 2023. Collection method: clinical testing. Allele origin: germline.
Comment: The p.K71R variant (also known as c.212A>G), located in coding exon 3 of the FANCA gene, results from an A to G substitution at nucleotide position 212. The lysine at codon 71 is replaced by arginine, an amino acid with highly similar properties. This amino acid position is conserved. In addition, this alteration is predicted to be tolerated by in silico analysis. Based on the available evidence, the clinical significance of this variant remains unclear.